The following is an entry in ClinVar:

NM_001367624.2(ZNF469):c.1076G>C (p.Gly359Ala)

Gene: ZNF469 (zinc finger protein 469; plus strand). Cytogenetic location: 16q24.2.
Variant type: single nucleotide variant.
Coding change: c.1076G>C on transcript NM_001367624.2 (MANE Select); coding-DNA position 1076, G replaced by C.
Protein change: p.Gly359Ala; replaces glycine 359 with alanine.
Molecular consequence: missense variant.
Genome position (GRCh38, 1-based): chr16:88,428,546, G>C. VCF-style: chr16-88428546-G-C. GRCh37 (hg19) VCF-style: chr16-88494954-G-C.
Other names: NM_001127464.1:c.1076G>C; short protein forms G359A.
Identifiers: ClinVar variation 3258240 (VCV003258240.1).
Genomic context (GRCh38, chr16:88,428,546, plus strand): 5'-AGGGCCAGCCAGGTGGCCTGAACCGCCACAGCGACCTCAGTGGTGCCCTCTCTTCCCCTG[G>C]AGCTGCTCACTCGGCCCCGAGACCCTTCTCTGACAGTTTACACAAGAGCCTGACCAAAAT-3'
Protein context (NP_001354553.1, residues 349-369): SDLSGALSSP[Gly359Ala]AAHSAPRPFS

ClinVar aggregate classification (germline): Uncertain significance (1 of 4 stars; one submission).

Conditions:
Cardiovascular phenotype. Identifiers: MedGen CN230736.

gnomAD v4.1: 6 of 1,549,952 alleles (0.00039%); highest among the groups gnomAD compares: African/African-American, 0.0068%; no homozygotes.

Submission:

Ambry Genetics
Classification: Uncertain significance for Cardiovascular phenotype. Last evaluated: 2024-04-16. Review status: criteria provided, single submitter. Criteria: Ambry Variant Classification Scheme 2023. Collection method: clinical testing. Allele origin: germline.
Comment: The p.G359A variant (also known as c.1076G>C), located in coding exon 1 of the ZNF469 gene, results from a G to C substitution at nucleotide position 1076. The glycine at codon 359 is replaced by alanine, an amino acid with similar properties. This amino acid position is conserved. In addition, this alteration is predicted to be tolerated by in silico analysis. Based on the available evidence, the clinical significance of this variant remains unclear.